The following is an entry in ClinVar:

NM_020949.3(SLC7A14):c.31C>T (p.Arg11Trp)

Genes: SLC7A14 (solute carrier family 7 member 14; minus strand), SLC7A14-AS1 (SLC7A14 antisense RNA 1; plus strand). Cytogenetic location: 3q26.2.
Variant type: single nucleotide variant.
Coding change: c.31C>T on transcript NM_020949.3 (MANE Select); coding-DNA position 31, C replaced by T.
Protein change: p.Arg11Trp; replaces arginine 11 with tryptophan.
Molecular consequence: missense variant.
Genome position (GRCh38, 1-based): chr3:170,526,906, G>A on the plus strand (C>T on the coding strand, the complement: SLC7A14 is on the minus strand). VCF-style: chr3-170526906-G-A. GRCh37 (hg19) VCF-style: chr3-170244695-G-A.
Other names: short protein forms R11W.
Identifiers: ClinVar variation 1021499 (VCV001021499.8), dbSNP rs1713526100, ClinGen allele CA355520370.
Genomic context (GRCh38, chr3:170,526,906, plus strand): 5'-GTTTGGTGCGTAGGATCCTGGAGTGCATTGCATACCAGGCAGCTCCCCACTGCACCCGCC[G>A]GGGGTCCAGCGAGGTGAAGAAGCCACTCATCTTGAGCGATAGGGGATGCAGTGAAGGTCA-3'
Protein context (NP_066000.2, residues 1-21): MSGFFTSLDP[Arg11Trp]RVQWGAAWYA

ClinVar aggregate classification (germline): Uncertain significance (1 of 4 stars; one submission).

Submission:

Labcorp Genetics (formerly Invitae), Labcorp
Classification: Uncertain significance. Last evaluated: 2020-06-23. Review status: criteria provided, single submitter. Criteria: Invitae Variant Classification Sherloc (09022015). Collection method: clinical testing. Allele origin: germline.
Comment: In summary, the available evidence is currently insufficient to determine the role of this variant in disease. Therefore, it has been classified as a Variant of Uncertain Significance. Algorithms developed to predict the effect of missense changes on protein structure and function are either unavailable or do not agree on the potential impact of this missense change (SIFT: "Deleterious"; PolyPhen-2: "Probably Damaging"; Align-GVGD: "Class C0"). This variant has not been reported in the literature in individuals with SLC7A14-related conditions. This variant is not present in population databases (ExAC no frequency). This sequence change replaces arginine with tryptophan at codon 11 of the SLC7A14 protein (p.Arg11Trp). The arginine residue is moderately conserved and there is a moderate physicochemical difference between arginine and tryptophan.